The following is an entry in ClinVar:

ClinVar aggregate classification (germline): Pathogenic (1 of 4 stars; one submission).

Submission:

GeneDx
Classification: Pathogenic. Last evaluated: 2026-08-25. Review status: criteria provided, single submitter. Criteria: GeneDx Variant Classification Process June 2021. Collection method: clinical testing. Allele origin: germline.
Comment: Canonical splice site variant predicted to result in a null allele in a gene for which loss of function is a known mechanism of disease; Not observed at significant frequency in large population cohorts (gnomAD); Has not been previously published as pathogenic or benign to our knowledge

NM_001127222.2(CACNA1A):c.1986+1G>A

Gene: CACNA1A (calcium voltage-gated channel subunit alpha1 A; minus strand). Cytogenetic location: 19p13.13.
Variant type: single nucleotide variant.
Coding change: c.1986+1G>A on transcript NM_001127222.2 (MANE Select); the canonical splice donor site of the intron after coding-DNA position 1986, G replaced by A.
Molecular consequence: splice donor variant.
Genome position (GRCh38, 1-based): chr19:13,307,781, C>T on the plus strand (G>A on the coding strand, the complement: CACNA1A is on the minus strand). VCF-style: chr19-13307781-C-T. GRCh37 (hg19) VCF-style: chr19-13418595-C-T.
Other names: c.1989+1G>A (NM_001127221.2, NM_001174080.2, NM_000068.4 and 1 more transcripts).
Identifiers: ClinVar variation 3342437 (VCV003342437.2).